The following is an entry in ClinVar:

ClinVar aggregate classification (germline): Likely pathogenic (1 of 4 stars; one submission).

Allele frequency attached by ClinVar (database versions not stated): gnomAD exomes below 0.00001; gnomAD 0.00001.
gnomAD v4.1: 2 of 1,614,080 alleles (0.00012%); highest among the groups gnomAD compares: Admixed American, 0.0033%; no homozygotes.

Submission:

Labcorp Genetics (formerly Invitae), Labcorp
Classification: Likely pathogenic. Last evaluated: 2022-06-10. Review status: criteria provided, single submitter. Criteria: Invitae Variant Classification Sherloc (09022015). Collection method: clinical testing. Allele origin: germline.
Comment: This sequence change replaces valine, which is neutral and non-polar, with glycine, which is neutral and non-polar, at codon 393 of the LHCGR protein (p.Val393Gly). In summary, the currently available evidence indicates that the variant is pathogenic, but additional data are needed to prove that conclusively. Therefore, this variant has been classified as Likely Pathogenic. Advanced modeling of protein sequence and biophysical properties (such as structural, functional, and spatial information, amino acid conservation, physicochemical variation, residue mobility, and thermodynamic stability) performed at Invitae indicates that this missense variant is expected to disrupt LHCGR protein function. This missense change has been observed in individual(s) with clinical features of 46, XY disorder of sex development (Invitae). In at least one individual the data is consistent with being in trans (on the opposite chromosome) from a pathogenic variant. This variant is present in population databases (no rsID available, gnomAD 0.003%).

NM_000233.4(LHCGR):c.1178T>G (p.Val393Gly)

Genes: LHCGR (luteinizing hormone/choriogonadotropin receptor; minus strand), STON1-GTF2A1L (STON1-GTF2A1L readthrough; plus strand). Cytogenetic location: 2p16.3.
Variant type: single nucleotide variant.
Coding change: c.1178T>G on transcript NM_000233.4 (MANE Select); coding-DNA position 1178, T replaced by G.
Protein change: p.Val393Gly; replaces valine 393 with glycine.
Molecular consequence: missense variant. On other transcripts: intron variant (1).
Genome position (GRCh38, 1-based): chr2:48,688,619, A>C on the plus strand (T>G on the coding strand, the complement: LHCGR is on the minus strand). VCF-style: chr2-48688619-A-C. GRCh37 (hg19) VCF-style: chr2-48915758-A-C.
Other names: c.3441+16939A>C (NM_001198593.2); short protein forms V393G.
Identifiers: ClinVar variation 2004397 (VCV002004397.4), dbSNP rs1394300572, ClinGen allele CA346748944.